The following is an entry in ClinVar:

NM_000540.3(RYR1):c.9827T>C (p.Met3276Thr)

Gene: RYR1 (ryanodine receptor 1; plus strand). Cytogenetic location: 19q13.2.
Variant type: single nucleotide variant.
Coding change: c.9827T>C on transcript NM_000540.3 (MANE Select); coding-DNA position 9827, T replaced by C.
Protein change: p.Met3276Thr; replaces methionine 3276 with threonine.
Molecular consequence: missense variant.
Genome position (GRCh38, 1-based): chr19:38,517,500, T>C. VCF-style: chr19-38517500-T-C. GRCh37 (hg19) VCF-style: chr19-39008140-T-C.
Other names: c.9827T>C, p.Met3276Thr (NM_001042723.2); short protein forms M3276T.
Identifiers: ClinVar variation 1414975 (VCV001414975.5), dbSNP rs1310839286, ClinGen allele CA405692194.

ClinVar aggregate classification (germline): Uncertain significance. Review status: criteria provided, multiple submitters, no conflicts (2 of 4 stars). 3 submissions from 3 submitters: Uncertain significance (3). Last evaluated 2024-05-14.

Conditions:
RYR1-related disorder. Also called: RYR1-related disorders; RYR1-related condition. Identifiers: MedGen CN239331.
Malignant hyperthermia, susceptibility to, 1 (MHS1). Also called: Anesthesia related hyperthermia; Malignant hyperpyrexia; Fulminating hyperpyrexia; Pharmacogenic myopathy; RYR1-Related Malignant Hyperthermia Susceptibility; Malignant hyperthermia suceptibility 1. Identifiers: Orphanet 423, MedGen C2930980, MONDO:0007783, OMIM 145600.

Allele frequency attached by ClinVar (database versions not stated): gnomAD exomes below 0.00001.
gnomAD v4.1: 4 of 1,614,056 alleles (0.00025%); highest among the groups gnomAD compares: Non-Finnish European, 0.00025%; no homozygotes.

Submissions (3):

All of Us Research Program, National Institutes of Health
Classification: Uncertain significance for Malignant hyperthermia, susceptibility to, 1. Last evaluated: 2024-05-14. Review status: criteria provided, single submitter. Criteria: ACMG Guidelines, 2015. Collection method: clinical testing. Allele origin: germline. Inheritance: Autosomal dominant inheritance. Observed: 1 variant allele, 1 heterozygote.
Comment: This missense variant replaces methionine with threonine at codon 3276 of the RYR1 protein. Computational prediction suggests that this variant may have deleterious impact on protein structure and function (internally defined REVEL score threshold >= 0.7, PMID: 27666373). To our knowledge, functional studies have not been reported for this variant. This variant has not been reported in individuals affected with RYR1-related disorders in the literature. This variant has been identified in 1/250434 chromosomes in the general population by the Genome Aggregation Database (gnomAD). The available evidence is insufficient to determine the role of this variant in disease conclusively. Therefore, this variant is classified as a Variant of Uncertain Significance.

This study involves interpretation of variants in research participants for the purpose of population health screening. Participant phenotype was not available at the time of variant classification. Additional details can be found in publication PMID: 35346344, PMCID: PMC8962531

Color Diagnostics, LLC DBA Color Health
Classification: Uncertain significance for Malignant hyperthermia, susceptibility to, 1. Last evaluated: 2024-04-23. Review status: criteria provided, single submitter. Criteria: ACMG Guidelines, 2015. Collection method: clinical testing. Allele origin: germline.
Comment: This missense variant replaces methionine with threonine at codon 3276 of the RYR1 protein. Computational prediction suggests that this variant may have deleterious impact on protein structure and function. To our knowledge, functional studies have not been reported for this variant. This variant has not been reported in individuals affected with RYR1-related disorders in the literature. This variant has been identified in 1/250434 chromosomes in the general population by the Genome Aggregation Database (gnomAD). The available evidence is insufficient to determine the role of this variant in disease conclusively. Therefore, this variant is classified as a Variant of Uncertain Significance.

Labcorp Genetics (formerly Invitae), Labcorp
Classification: Uncertain significance for RYR1-related disorder. Last evaluated: 2021-08-27. Review status: criteria provided, single submitter. Criteria: Invitae Variant Classification Sherloc (09022015). Collection method: clinical testing. Allele origin: germline.
Comment: This sequence change replaces methionine with threonine at codon 3276 of the RYR1 protein (p.Met3276Thr). The methionine residue is highly conserved and there is a moderate physicochemical difference between methionine and threonine. This variant is not present in population databases (ExAC no frequency). This variant has not been reported in the literature in individuals affected with RYR1-related conditions. Advanced modeling of protein sequence and biophysical properties (such as structural, functional, and spatial information, amino acid conservation, physicochemical variation, residue mobility, and thermodynamic stability) performed at Invitae indicates that this missense variant is not expected to disrupt RYR1 protein function. In summary, the available evidence is currently insufficient to determine the role of this variant in disease. Therefore, it has been classified as a Variant of Uncertain Significance.